The following is an entry in ClinVar:

NM_017947.4(MOCOS):c.1414A>T (p.Met472Leu)

Gene: MOCOS (molybdenum cofactor sulfurase; plus strand). Cytogenetic location: 18q12.2.
Variant type: single nucleotide variant.
Coding change: c.1414A>T on transcript NM_017947.4 (MANE Select); coding-DNA position 1414, A replaced by T.
Protein change: p.Met472Leu; replaces methionine 472 with leucine.
Molecular consequence: missense variant.
Genome position (GRCh38, 1-based): chr18:36,215,594, A>T. VCF-style: chr18-36215594-A-T. GRCh37 (hg19) VCF-style: chr18-33795557-A-T.
Other names: short protein forms M472L.
Identifiers: ClinVar variation 1504828 (VCV001504828.8), dbSNP rs2091472874, ClinGen allele CA402220225.

ClinVar aggregate classification (germline): Uncertain significance (1 of 4 stars; one submission).

Conditions:
Xanthinuria type II. Also called: Xanthine dehydrogenase and aldehyde oxidase combined deficiency of; XDH and AOX dual deficiency. Identifiers: Orphanet 3467, Orphanet 93602, MedGen C1863688, MONDO:0011346, OMIM 603592.

Allele frequency attached by ClinVar (database versions not stated): TOPMed below 0.00001; gnomAD exomes 0.00001.
gnomAD v4.1: 13 of 1,614,188 alleles (0.00081%); highest among the groups gnomAD compares: Non-Finnish European, 0.0011%; no homozygotes.

Submission:

Labcorp Genetics (formerly Invitae), Labcorp
Classification: Uncertain significance for Xanthinuria type II. Last evaluated: 2021-05-06. Review status: criteria provided, single submitter. Criteria: Invitae Variant Classification Sherloc (09022015). Collection method: clinical testing. Allele origin: germline.
Comment: Algorithms developed to predict the effect of missense changes on protein structure and function are either unavailable or do not agree on the potential impact of this missense change (SIFT: "Tolerated"; PolyPhen-2: "Possibly Damaging"; Align-GVGD: "Class C0"). This variant has not been reported in the literature in individuals with MOCOS-related conditions. This variant is not present in population databases (ExAC no frequency). This sequence change replaces methionine with leucine at codon 472 of the MOCOS protein (p.Met472Leu). The methionine residue is highly conserved and there is a small physicochemical difference between methionine and leucine. In summary, the available evidence is currently insufficient to determine the role of this variant in disease. Therefore, it has been classified as a Variant of Uncertain Significance.